The following is an entry in ClinVar:

ClinVar aggregate classification (germline): Uncertain significance. Review status: criteria provided, multiple submitters, no conflicts (2 of 4 stars). 2 submissions from 2 submitters: Uncertain significance (2). Last evaluated 2025-12-27.

Allele frequency attached by ClinVar (database versions not stated): gnomAD exomes below 0.00001.
gnomAD v4.1: 1 of 1,613,572 alleles (0.000062%); highest among the groups gnomAD compares: Admixed American, 0.0017%; no homozygotes.

Submissions (2):

Labcorp Genetics (formerly Invitae), Labcorp
Classification: Uncertain significance. Last evaluated: 2025-12-27. Review status: criteria provided, single submitter. Criteria: Invitae Variant Classification Sherloc (09022015). Collection method: clinical testing. Allele origin: germline.
Comment: This sequence change replaces glutamine, which is neutral and polar, with lysine, which is basic and polar, at codon 780 of the SAMD9L protein (p.Gln780Lys). This variant is not present in population databases (gnomAD no frequency). This variant has not been reported in the literature in individuals affected with SAMD9L-related conditions. ClinVar contains an entry for this variant (Variation ID: 2113447). Invitae Evidence Modeling of protein sequence and biophysical properties (such as structural, functional, and spatial information, amino acid conservation, physicochemical variation, residue mobility, and thermodynamic stability) has been performed for this missense variant. However, the output from this modeling did not meet the statistical confidence thresholds required to predict the impact of this variant on SAMD9L protein function. In summary, the available evidence is currently insufficient to determine the role of this variant in disease. Therefore, it has been classified as a Variant of Uncertain Significance.

GeneDx
Classification: Uncertain significance. Last evaluated: 2023-06-05. Review status: criteria provided, single submitter. Criteria: GeneDx Variant Classification Process June 2021. Collection method: clinical testing. Allele origin: germline. Affected: yes.
Comment: Not observed at significant frequency in large population cohorts (gnomAD); In silico analysis supports that this missense variant does not alter protein structure/function; Has not been previously published as pathogenic or benign to our knowledge; This variant is associated with the following publications: (PMID: 28545555)

NM_152703.5(SAMD9L):c.2338C>A (p.Gln780Lys)

Gene: SAMD9L (sterile alpha motif domain containing 9 like; minus strand). Cytogenetic location: 7q21.2.
Variant type: single nucleotide variant.
Coding change: c.2338C>A on transcript NM_152703.5 (MANE Select); coding-DNA position 2338, C replaced by A.
Protein change: p.Gln780Lys; replaces glutamine 780 with lysine.
Molecular consequence: missense variant.
Genome position (GRCh38, 1-based): chr7:93,133,634, G>T on the plus strand (C>A on the coding strand, the complement: SAMD9L is on the minus strand). VCF-style: chr7-93133634-G-T. GRCh37 (hg19) VCF-style: chr7-92762947-G-T.
Other names: c.2338C>A (NM_152703.3); c.2338C>A, p.Gln780Lys (NM_001303496.3, NM_001303497.3, NM_001303498.3 and 5 more transcripts); short protein forms Q780K.
Identifiers: ClinVar variation 2113447 (VCV002113447.5), dbSNP rs1792253218, ClinGen allele CA368191194.